The following is an entry in ClinVar:

NM_000059.4(BRCA2):c.8754+1_8754+5del

Gene: BRCA2 (BRCA2 DNA repair associated; plus strand). Cytogenetic location: 13q13.1.
Variant type: Deletion.
Coding change: c.8754+1_8754+5del on transcript NM_000059.4 (MANE Select); the canonical splice donor site of the intron after coding-DNA position 8754 through 5 bases into the intron after coding-DNA position 8754, 5 bases deleted (GTGAG; older notation c.8754+1_8754+5delGTGAG).
Molecular consequence: splice donor variant.
Genome position (GRCh38, 1-based): chr13:32,376,792-32,376,796, GTGAG deleted; deleting any 5 consecutive bases within chr13:32,376,788-32,376,796 gives the same sequence; the c. name uses the placement nearest the transcript's 3' end. VCF-style (leftmost placement, unchanged base first): chr13-32376787-TTGAGG-T. GRCh37 (hg19) VCF-style: chr13-32950924-TTGAGG-T.
Other names: c.8754+1_8754+5del (NM_001432077.1, NM_001406720.1); c.8658+1_8658+5del (NM_001406719.1); c.3822+1_3822+5del (NM_001406721.1); c.2337+1_2337+5del (NM_001406722.1).
Identifiers: ClinVar variation 4071070 (VCV004071070.1).
Genomic context (GRCh38, chr13:32,376,787, plus strand): 5'-CTTTGCAAGATGGTGCAGAGCTTTATGAAGCAGTGAAGAATGCAGCAGACCCAGCTTACC[TTGAGG>T]TGAGAGAGTAAGAGGACATATAATGAGGCTTGATGATTATTCAAGGTGAGAAGCTGTTTT-3'

ClinVar aggregate classification (germline): Likely pathogenic (1 of 4 stars; one submission).

Conditions:
Breast-ovarian cancer, familial, susceptibility to, 2 (BROVCA2). Also called: BRCA2 Hereditary Breast and Ovarian Cancer. Identifiers: Orphanet 145, MedGen C2675520, MONDO:0012933, OMIM 612555. Disease mechanism: loss of function.

Submission:

Myriad Genetics, Inc.
Classification: Likely pathogenic for Breast-ovarian cancer, familial, susceptibility to, 2. Last evaluated: 2025-06-12. Review status: criteria provided, single submitter. Criteria: Myriad Autosomal Dominant, Autosomal Recessive and X-Linked Classification Criteria (2023). Collection method: clinical testing. Allele origin: unknown.
Comment: This variant is considered likely pathogenic. This variant occurs within a consensus splice junction and is predicted to result in abnormal mRNA splicing of either an out-of-frame exon or an in-frame exon necessary for protein stability and/or normal function.